The following is an entry in ClinVar:

NM_005476.7(GNE):c.107C>A (p.Pro36His)

Gene: GNE (glucosamine (UDP-N-acetyl)-2-epimerase/N-acetylmannosamine kinase; minus strand). Cytogenetic location: 9p13.3.
Variant type: single nucleotide variant.
Coding change: c.107C>A on transcript NM_005476.7 (MANE Select); coding-DNA position 107, C replaced by A.
Protein change: p.Pro36His; replaces proline 36 with histidine.
Molecular consequence: missense variant. On other transcripts: intron variant (3).
Genome position (GRCh38, 1-based): chr9:36,249,249, G>T on the plus strand (C>A on the coding strand, the complement: GNE is on the minus strand). VCF-style: chr9-36249249-G-T. GRCh37 (hg19) VCF-style: chr9-36249246-G-T.
Other names: c.200C>A, p.Pro67His (NM_001128227.3); c.107C>A, p.Pro36His (NM_001190383.3, NM_001374797.1); c.-13-2767C>A (NM_001190388.2, NM_001190384.3, NM_001374798.1); short protein forms P36H, P67H.
Identifiers: ClinVar variation 2144213 (VCV002144213.3), dbSNP rs745323678, ClinGen allele CA5056770.

ClinVar aggregate classification (germline): Uncertain significance (1 of 4 stars; one submission).

Conditions:
Sialuria. Also called: Sialic Acid Storage Disease; SIALURIA, FRENCH TYPE. Identifiers: Orphanet 3166, MedGen C0342853, MONDO:0010028, OMIM 269921.
GNE myopathy (NM). Also called: NONAKA DISTAL MYOPATHY; IBM 2; Inclusion body myopathy autosomal recessive; Inclusion body myopathy quadriceps sparing; INCLUSION BODY MYOPATHY, HEREDITARY, AUTOSOMAL RECESSIVE; INCLUSION BODY MYOPATHY 2, AUTOSOMAL RECESSIVE. Identifiers: Orphanet 602, MedGen C1853926, MONDO:0011603, OMIM 605820.

Allele frequency attached by ClinVar (database versions not stated): gnomAD 0.00001; gnomAD exomes 0.00001; ExAC 0.00002; TOPMed 0.00002.
gnomAD v4.1: 6 of 1,614,008 alleles (0.00037%); highest among the groups gnomAD compares: Admixed American, 0.0083%; no homozygotes.

Submission:

Labcorp Genetics (formerly Invitae), Labcorp
Classification: Uncertain significance for Sialuria; GNE myopathy. Last evaluated: 2025-07-01. Review status: criteria provided, single submitter. Criteria: Invitae Variant Classification Sherloc (09022015). Collection method: clinical testing. Allele origin: germline.
Comment: This sequence change replaces proline, which is neutral and non-polar, with histidine, which is basic and polar, at codon 67 of the GNE protein (p.Pro67His). This variant is present in population databases (rs745323678, gnomAD 0.01%). This variant has not been reported in the literature in individuals affected with GNE-related conditions. ClinVar contains an entry for this variant (Variation ID: 2144213). Invitae Evidence Modeling of protein sequence and biophysical properties (such as structural, functional, and spatial information, amino acid conservation, physicochemical variation, residue mobility, and thermodynamic stability) has been performed for this missense variant. However, the output from this modeling did not meet the statistical confidence thresholds required to predict the impact of this variant on GNE protein function. In summary, the available evidence is currently insufficient to determine the role of this variant in disease. Therefore, it has been classified as a Variant of Uncertain Significance.